The following is an entry in ClinVar:

NM_004360.5(CDH1):c.535A>G (p.Lys179Glu)

Gene: CDH1 (cadherin 1; plus strand). Cytogenetic location: 16q22.1.
Variant type: single nucleotide variant.
Coding change: c.535A>G on transcript NM_004360.5 (MANE Select); coding-DNA position 535, A replaced by G.
Protein change: p.Lys179Glu; replaces lysine 179 with glutamic acid.
Molecular consequence: missense variant. On other transcripts: 5 prime UTR variant (2).
Genome position (GRCh38, 1-based): chr16:68,808,696, A>G. VCF-style: chr16-68808696-A-G. GRCh37 (hg19) VCF-style: chr16-68842599-A-G.
Other names: c.535A>G, p.Lys179Glu (NM_001317184.2); c.-1081A>G (NM_001317185.2); c.-1285A>G (NM_001317186.2); c.535A>G (LRG_301t1); short protein forms K179E.
Identifiers: ClinVar variation 496233 (VCV000496233.16), dbSNP rs1555515244, ClinGen allele CA396457842.
Genomic context (GRCh38, chr16:68,808,696, plus strand): 5'-AAGACCCAGTGTTGGGATCCTTCTTTACTAATTCTTTTTCTTTCATTTTGTCTTCAGATC[A>G]AATCCAACAAAGACAAAGAAGGCAAGGTTTTCTACAGCATCACTGGCCAAGGAGCTGACA-3'
Protein context (NP_004351.1, residues 169-189): GPFPKNLVQI[Lys179Glu]SNKDKEGKVF

ClinVar aggregate classification (germline): Uncertain significance. Review status: reviewed by expert panel (3 of 4 stars). 4 submissions from 4 submitters: Uncertain significance (1). 3 of the submissions do not count toward it. Last evaluated 2023-08-21.

Conditions:
Hereditary diffuse gastric adenocarcinoma (HDGC). Also called: DIFFUSE GASTRIC AND LOBULAR BREAST CANCER SYNDROME. Identifiers: Orphanet 26106, MedGen C1708349, MONDO:0007648, OMIM 137215.
Hereditary cancer-predisposing syndrome. Also called: Tumor predisposition; Hereditary Cancer Syndrome; Neoplastic Syndromes, Hereditary; Hereditary neoplastic syndrome. Identifiers: Orphanet 140162, MedGen C0027672, MeSH D009386, MONDO:0015356.
CDH1-related diffuse gastric and lobular breast cancer syndrome. Also called: CDH1-related diffuse gastric and lobular breast cancer. Identifiers: MedGen CN311521, MONDO:0100488.

Submissions (4):

Clingen Gastric Cancer Variant Curation Expert Panel
Classification: Uncertain significance for CDH1-related diffuse gastric and lobular breast cancer syndrome. Last evaluated: 2023-08-21. Review status: reviewed by expert panel. Criteria: ClinGen CDH1 ACMG Specifications V3.1. Collection method: curation. Allele origin: germline. Inheritance: Autosomal dominant inheritance.
Comment: The c.535A>G (p.Lys179Glu) variant is absent in the gnomAD cohort (PM2_Supporting). This variant was found to co-segregate with disease in multiple affected family members, with 4 meioses observed (PP1; internal laboratory contributor). This variant has also been reported in at least one family meeting HDGC clinical criteria (PS4_Supporting; internal laboratory contributor). In summary, the clinical significance of this variant is uncertain. ACMG/AMP criteria applied, as specified by the CDH1 Variant Curation Expert Panel (Variant Interpretation Guidelines Version 3.1): PM2_Supporting, PP1, PS4_Supporting.

Ambry Genetics
Classification: Uncertain significance for Hereditary cancer-predisposing syndrome. Last evaluated: 2026-01-23. Review status: criteria provided, single submitter. Criteria: Ambry Variant Classification Scheme 2023. Collection method: clinical testing. Allele origin: germline. Not counted in ClinVar's aggregate classification.
Comment: The p.K179E variant (also known as c.535A>G), located in coding exon 5 of the CDH1 gene, results from an A to G substitution at nucleotide position 535. The lysine at codon 179 is replaced by glutamic acid, an amino acid with similar properties. This amino acid position is well conserved in available vertebrate species. In addition, the in silico prediction for this alteration is inconclusive. Based on the available evidence, the clinical significance of this variant remains unclear.

Labcorp Genetics (formerly Invitae), Labcorp
Classification: Uncertain significance for Hereditary diffuse gastric adenocarcinoma. Last evaluated: 2021-03-08. Review status: criteria provided, single submitter. Criteria: Invitae Variant Classification Sherloc (09022015). Collection method: clinical testing. Allele origin: germline. Not counted in ClinVar's aggregate classification.
Comment: Algorithms developed to predict the effect of missense changes on protein structure and function are either unavailable or do not agree on the potential impact of this missense change (SIFT: "Deleterious"; PolyPhen-2: "Probably Damaging"; Align-GVGD: "Class C15"). In summary, the available evidence is currently insufficient to determine the role of this variant in disease. Therefore, it has been classified as a Variant of Uncertain Significance. This variant has been reported in individuals in the Leiden Open-source Variation Database (PMID: 21520333). ClinVar contains an entry for this variant (Variation ID: 496233). This variant is not present in population databases (ExAC no frequency). This sequence change replaces lysine with glutamic acid at codon 179 of the CDH1 protein (p.Lys179Glu). The lysine residue is highly conserved and there is a small physicochemical difference between lysine and glutamic acid.

Women's Health and Genetics/Laboratory Corporation of America, LabCorp
Classification: Uncertain significance. Last evaluated: 2016-12-22. Review status: criteria provided, single submitter. Criteria: LabCorp Variant Classification Summary - May 2015. Collection method: clinical testing. Allele origin: germline. Not counted in ClinVar's aggregate classification.
Comment: Variant summary: The CDH1 c.535A>G (p.Lys179Glu) variant involves the alteration of a conserved nucleotide. 3/4 in silico tools predict a damaging outcome for this variant (SNPs&GO not captured due to low reliability index). This variant is absent in 120364 control chromosomes. The variant of interest has not, to our knowledge, been reported in affected individuals via publications and/or reputable databases/clinical diagnostic laboratories; nor evaluated for functional impact by in vivo/vitro studies. Because of the absence of clinical information and the lack of functional studies, the variant is classified as a variant of uncertain significance (VUS) until additional information becomes available.

Literature cited by the submitters: PubMed 21520333 (cited by Labcorp Genetics (formerly Invitae), Labcorp).